The following is an entry in ClinVar:

NM_001377.3(DYNC2H1):c.4847T>G (p.Ile1616Ser)

Gene: DYNC2H1 (dynein cytoplasmic 2 heavy chain 1; plus strand). Cytogenetic location: 11q22.3.
Variant type: single nucleotide variant.
Coding change: c.4847T>G on transcript NM_001377.3 (MANE Select); coding-DNA position 4847, T replaced by G.
Protein change: p.Ile1616Ser; replaces isoleucine 1616 with serine.
Molecular consequence: missense variant.
Genome position (GRCh38, 1-based): chr11:103,168,839, T>G. VCF-style: chr11-103168839-T-G. GRCh37 (hg19) VCF-style: chr11-103039568-T-G.
Other names: c.4847T>G, p.Ile1616Ser (NM_001080463.2); short protein forms I1616S.
Identifiers: ClinVar variation 4805476 (VCV004805476.1).

ClinVar aggregate classification (germline): Uncertain significance (1 of 4 stars; one submission).

Conditions:
Jeune thoracic dystrophy. Also called: Jeune syndrome; Infantile thoracic dystrophy; Thoracic pelvic phalangeal dystrophy; Jeune's syndrome; Chondroectodermal dysplasia-like syndrome; Short-rib thoracic dysplasia. Identifiers: Orphanet 474, MedGen C0265275, MONDO:0018770.

Submission:

Labcorp Genetics (formerly Invitae), Labcorp
Classification: Uncertain significance for Jeune thoracic dystrophy. Last evaluated: 2025-12-10. Review status: criteria provided, single submitter. Criteria: Invitae Variant Classification Sherloc (09022015). Collection method: clinical testing. Allele origin: germline.
Comment: This sequence change replaces isoleucine, which is neutral and non-polar, with serine, which is neutral and polar, at codon 1616 of the DYNC2H1 protein (p.Ile1616Ser). This variant is not present in population databases (gnomAD no frequency). This variant has not been reported in the literature in individuals affected with DYNC2H1-related conditions. Invitae Evidence Modeling of protein sequence and biophysical properties (such as structural, functional, and spatial information, amino acid conservation, physicochemical variation, residue mobility, and thermodynamic stability) indicates that this missense variant is not expected to disrupt DYNC2H1 protein function with a negative predictive value of 95%. In summary, the available evidence is currently insufficient to determine the role of this variant in disease. Therefore, it has been classified as a Variant of Uncertain Significance.